The following is an entry in ClinVar:

NM_000287.4(PEX6):c.1884A>G (p.Ala628=)

Gene: PEX6 (peroxisomal biogenesis factor 6; minus strand). Cytogenetic location: 6p21.1.
Variant type: single nucleotide variant.
Coding change: c.1884A>G on transcript NM_000287.4 (MANE Select); coding-DNA position 1884, A replaced by G.
Protein change: p.Ala628=; no amino-acid change (alanine 628 retained).
Molecular consequence: synonymous variant. On other transcripts: non-coding transcript variant (1).
Genome position (GRCh38, 1-based): chr6:42,967,368, T>C on the plus strand (A>G on the coding strand, the complement: PEX6 is on the minus strand). VCF-style: chr6-42967368-T-C. GRCh37 (hg19) VCF-style: chr6-42935106-T-C.
Other names: c.1884A>G (NM_000287.3); c.1620A>G, p.Ala540= (NM_001316313.2).
Identifiers: ClinVar variation 1462116 (VCV001462116.7), dbSNP rs779124738, ClinGen allele CA138224455.

ClinVar aggregate classification (germline): Uncertain significance. Review status: criteria provided, single submitter (1 of 4 stars). 2 submissions from 2 submitters: Uncertain significance (1). 1 of the submissions does not count toward it. Last evaluated 2022-09-06.

Conditions:
Peroxisome biogenesis disorder. Identifiers: Orphanet 79189, MedGen C1832200, MONDO:0019234. Disease mechanism: loss of function.
PEX6-related disorder. Also called: PEX6-related condition; PEX6-related disorders.

Allele frequency attached by ClinVar (database versions not stated): gnomAD exomes below 0.00001; gnomAD 0.00001.
gnomAD v4.1: 2 of 1,611,896 alleles (0.00012%); highest among the groups gnomAD compares: Admixed American, 0.0017%; no homozygotes.

Submissions (2):

Labcorp Genetics (formerly Invitae), Labcorp
Classification: Uncertain significance for Peroxisome biogenesis disorder. Last evaluated: 2022-09-06. Review status: criteria provided, single submitter. Criteria: Invitae Variant Classification Sherloc (09022015). Collection method: clinical testing. Allele origin: germline.
Comment: This sequence change affects codon 628 of the PEX6 mRNA. It is a 'silent' change, meaning that it does not change the encoded amino acid sequence of the PEX6 protein. It affects a nucleotide within the consensus splice site. This variant is present in population databases (rs779124738, gnomAD 0.003%). This variant has not been reported in the literature in individuals affected with PEX6-related conditions. ClinVar contains an entry for this variant (Variation ID: 1462116). Algorithms developed to predict the effect of sequence changes on RNA splicing suggest that this variant is not likely to affect RNA splicing. In summary, the available evidence is currently insufficient to determine the role of this variant in disease. Therefore, it has been classified as a Variant of Uncertain Significance.

PreventionGenetics, part of Exact Sciences
Classification: Likely benign for PEX6-related condition. Last evaluated: 2019-07-25. Review status: no assertion criteria provided. Collection method: clinical testing. Allele origin: germline. Not counted in ClinVar's aggregate classification.
Comment: This variant is classified as likely benign based on ACMG/AMP sequence variant interpretation guidelines (Richards et al. 2015 PMID: 25741868, with internal and published modifications).